The following is an entry in ClinVar:

NM_024301.5(FKRP):c.1016G>C (p.Arg339Pro)

Gene: FKRP (fukutin related protein; plus strand). Cytogenetic location: 19q13.32.
Variant type: single nucleotide variant.
Coding change: c.1016G>C on transcript NM_024301.5 (MANE Select); coding-DNA position 1016, G replaced by C.
Protein change: p.Arg339Pro; replaces arginine 339 with proline.
Molecular consequence: missense variant.
Genome position (GRCh38, 1-based): chr19:46,756,466, G>C. VCF-style: chr19-46756466-G-C. GRCh37 (hg19) VCF-style: chr19-47259723-G-C.
Other names: c.1016G>C, p.Arg339Pro (NM_001039885.3); short protein forms R339P.
Identifiers: ClinVar variation 2838682 (VCV002838682.3), dbSNP rs1450841129, ClinGen allele CA406496475.
Genomic context (GRCh38, chr19:46,756,466, plus strand): 5'-TGCGCGCGCTGCGCGAGACCGCCCGCTATGTGGTGGGCGTGCTGGAGGCTGCGGGCGTGC[G>C]CTACTGGCTCGAGGGCGGCTCACTGCTGGGGGCCGCCCGCCACGGGGACATCATCCCATG-3'
Protein context (NP_077277.1, residues 329-349): VVGVLEAAGV[Arg339Pro]YWLEGGSLLG

ClinVar aggregate classification (germline): Likely pathogenic (1 of 4 stars; one submission).

Conditions:
Walker-Warburg congenital muscular dystrophy. Also called: Muscular dystrophy-dystroglycanopathy, type A; Walker-Warburg syndrome. Identifiers: Orphanet 899, MedGen C0265221, MONDO:0000171.

Submission:

Labcorp Genetics (formerly Invitae), Labcorp
Classification: Likely pathogenic for Walker-Warburg congenital muscular dystrophy. Last evaluated: 2023-02-18. Review status: criteria provided, single submitter. Criteria: Invitae Variant Classification Sherloc (09022015). Collection method: clinical testing. Allele origin: germline.
Comment: This variant has not been reported in the literature in individuals affected with FKRP-related conditions. This variant is not present in population databases (gnomAD no frequency). This sequence change replaces arginine, which is basic and polar, with proline, which is neutral and non-polar, at codon 339 of the FKRP protein (p.Arg339Pro). In summary, the currently available evidence indicates that the variant is pathogenic, but additional data are needed to prove that conclusively. Therefore, this variant has been classified as Likely Pathogenic. This variant disrupts the p.Arg339 amino acid residue in FKRP. Other variant(s) that disrupt this residue have been determined to be pathogenic (PMID: 14742276, 28688748). This suggests that this residue is clinically significant, and that variants that disrupt this residue are likely to be disease-causing. Advanced modeling of protein sequence and biophysical properties (such as structural, functional, and spatial information, amino acid conservation, physicochemical variation, residue mobility, and thermodynamic stability) performed at Invitae indicates that this missense variant is expected to disrupt FKRP protein function.

Literature cited by the submitters: PubMed 14742276; PubMed 28688748.